The following is an entry in ClinVar:

NM_004304.5(ALK):c.1565G>A (p.Ser522Asn)

Gene: ALK (ALK receptor tyrosine kinase; minus strand). Cytogenetic location: 2p23.2.
Variant type: single nucleotide variant.
Coding change: c.1565G>A on transcript NM_004304.5 (MANE Select); coding-DNA position 1565, G replaced by A.
Protein change: p.Ser522Asn; replaces serine 522 with asparagine.
Molecular consequence: missense variant.
Genome position (GRCh38, 1-based): chr2:29,318,386, C>T on the plus strand (G>A on the coding strand, the complement: ALK is on the minus strand). VCF-style: chr2-29318386-C-T. GRCh37 (hg19) VCF-style: chr2-29541252-C-T.
Other names: short protein forms S522N.
Identifiers: ClinVar variation 961664 (VCV000961664.11), dbSNP rs1553409333, ClinGen allele CA346471367.
Genomic context (GRCh38, chr2:29,318,386, plus strand): 5'-GGTGCAGGAAACGTAGCACTGGTCACTGTAGCACTTTCAGAAGCGGGGACATCAGTGGTA[C>T]TGAGCAATAGAGCATGGTCTAGGAGAGAGGAAAAGAATCACAAGCACGCCATTATCAGGA-3'
Protein context (NP_004295.2, residues 512-532): QDHQDHALLL[Ser522Asn]TTDVPASESA

ClinVar aggregate classification (germline): Uncertain significance. Review status: criteria provided, multiple submitters, no conflicts (2 of 4 stars). 2 submissions from 2 submitters: Uncertain significance (2). Last evaluated 2023-03-20.

Conditions:
Neuroblastoma, susceptibility to, 3. Also called: ALK-Related Neuroblastic Tumor Susceptibility. Identifiers: Orphanet 635, MedGen C2751681, MONDO:0013083, OMIM 613014.
Hereditary cancer-predisposing syndrome. Also called: Hereditary neoplastic syndrome; Tumor predisposition; Neoplastic Syndromes, Hereditary; Hereditary Cancer Syndrome. Identifiers: Orphanet 140162, MedGen C0027672, MeSH D009386, MONDO:0015356.

gnomAD v4.1: 1 of 1,613,346 alleles (0.000062%); no homozygotes.

Submissions (2):

Ambry Genetics
Classification: Uncertain significance for Hereditary cancer-predisposing syndrome. Last evaluated: 2023-03-20. Review status: criteria provided, single submitter. Criteria: Ambry Variant Classification Scheme 2023. Collection method: clinical testing. Allele origin: germline.
Comment: The p.S522N variant (also known as c.1565G>A), located in coding exon 8 of the ALK gene, results from a G to A substitution at nucleotide position 1565. The serine at codon 522 is replaced by asparagine, an amino acid with highly similar properties. This amino acid position is conserved. In addition, this alteration is predicted to be tolerated by in silico analysis. Since supporting evidence is limited at this time, the clinical significance of this alteration remains unclear.

Labcorp Genetics (formerly Invitae), Labcorp
Classification: Uncertain significance for Neuroblastoma, susceptibility to, 3. Last evaluated: 2019-09-19. Review status: criteria provided, single submitter. Criteria: Invitae Variant Classification Sherloc (09022015). Collection method: clinical testing. Allele origin: germline.
Comment: This variant has not been reported in the literature in individuals with ALK-related conditions. This variant is not present in population databases (ExAC no frequency). This sequence change replaces serine with asparagine at codon 522 of the ALK protein (p.Ser522Asn). The serine residue is moderately conserved and there is a small physicochemical difference between serine and asparagine. Algorithms developed to predict the effect of missense changes on protein structure and function output the following: SIFT: "Tolerated"; PolyPhen-2: "Benign"; Align-GVGD: "Class C0". The asparagine amino acid residue is found in multiple mammalian species, suggesting that this missense change does not adversely affect protein function. These predictions have not been confirmed by published functional studies and their clinical significance is uncertain. In summary, the available evidence is currently insufficient to determine the role of this variant in disease. Therefore, it has been classified as a Variant of Uncertain Significance.